The following is an entry in ClinVar:

ClinVar aggregate classification (germline): Uncertain significance (1 of 4 stars; one submission).

Conditions:
Hereditary cancer-predisposing syndrome. Also called: Tumor predisposition; Hereditary neoplastic syndrome; Hereditary Cancer Syndrome; Neoplastic Syndromes, Hereditary. Identifiers: Orphanet 140162, MedGen C0027672, MeSH D009386, MONDO:0015356.

Submission:

Ambry Genetics
Classification: Uncertain significance for Hereditary cancer-predisposing syndrome. Last evaluated: 2025-05-19. Review status: criteria provided, single submitter. Criteria: Ambry Variant Classification Scheme 2023. Collection method: clinical testing. Allele origin: germline.
Comment: The p.F1774C variant (also known as c.5321T>G), located in coding exon 35 of the ATM gene, results from a T to G substitution at nucleotide position 5321. The phenylalanine at codon 1774 is replaced by cysteine, an amino acid with highly dissimilar properties. This amino acid position is conserved. In addition, the in silico prediction for this alteration is inconclusive. Based on the available evidence, the clinical significance of this variant remains unclear.

NM_000051.4(ATM):c.5321T>G (p.Phe1774Cys)

Gene: ATM (ATM serine/threonine kinase; plus strand). Cytogenetic location: 11q22.3.
Variant type: single nucleotide variant.
Coding change: c.5321T>G on transcript NM_000051.4 (MANE Select); coding-DNA position 5321, T replaced by G.
Protein change: p.Phe1774Cys; replaces phenylalanine 1774 with cysteine.
Molecular consequence: missense variant.
Genome position (GRCh38, 1-based): chr11:108,302,854, T>G. VCF-style: chr11-108302854-T-G. GRCh37 (hg19) VCF-style: chr11-108173581-T-G.
Other names: c.5321T>G, p.Phe1774Cys (NM_001351834.2); short protein forms F1774C.
Identifiers: ClinVar variation 3967240 (VCV003967240.1).